The following is an entry in ClinVar:

NM_182961.4(SYNE1):c.5675A>G (p.Glu1892Gly)

Gene: SYNE1 (spectrin repeat containing nuclear envelope protein 1; minus strand). Cytogenetic location: 6q25.2.
Variant type: single nucleotide variant.
Coding change: c.5675A>G on transcript NM_182961.4 (MANE Select); coding-DNA position 5675, A replaced by G.
Protein change: p.Glu1892Gly; replaces glutamic acid 1892 with glycine.
Molecular consequence: missense variant.
Genome position (GRCh38, 1-based): chr6:152,416,762, T>C on the plus strand (A>G on the coding strand, the complement: SYNE1 is on the minus strand). VCF-style: chr6-152416762-T-C. GRCh37 (hg19) VCF-style: chr6-152737897-T-C.
Other names: c.5696A>G, p.Glu1899Gly (NM_033071.5); short protein forms E1899G, E1892G.
Identifiers: ClinVar variation 471051 (VCV000471051.8), dbSNP rs757761843, ClinGen allele CA4058229.

ClinVar aggregate classification (germline): Uncertain significance (1 of 4 stars; one submission).

Conditions:
Emery-Dreifuss muscular dystrophy 4, autosomal dominant (EDMD4). Also called: EMERY-DREIFUSS MUSCULAR DYSTROPHY 4 WITH VARIABLE FEATURES. Identifiers: Orphanet 261, MedGen C2751807, MONDO:0013071, OMIM 612998.
Autosomal recessive ataxia, Beauce type. Also called: SYNE1-Related Autosomal Recessive Cerebellar Ataxia; Spinocerebellar ataxia, autosomal recessive 8; ATAXIA, RECESSIVE, OF BEAUCE; SYNE1 Deficiency. Identifiers: Orphanet 88644, MedGen C1853116, MONDO:0012549, OMIM 610743.

Allele frequency attached by ClinVar (database versions not stated): gnomAD exomes below 0.00001; ExAC 0.00002.

Submission:

Labcorp Genetics (formerly Invitae), Labcorp
Classification: Uncertain significance for Emery-Dreifuss muscular dystrophy 4, autosomal dominant; Autosomal recessive ataxia, Beauce type. Last evaluated: 2017-04-11. Review status: criteria provided, single submitter. Criteria: Invitae Variant Classification Sherloc (09022015). Collection method: clinical testing. Allele origin: germline.
Comment: In summary, this variant is a rare missense change with uncertain impact on protein function. There is no indication that it causes disease, but the available evidence is currently insufficient to prove that conclusively. Therefore, it has been classified as a Variant of Uncertain Significance. Algorithms developed to predict the effect of missense changes on protein structure and function do not agree on the potential impact of this missense change (SIFT: "Deleterious"; PolyPhen-2: "Benign"; Align-GVGD: "Class C65"). This variant is present in population databases (rs757761843, ExAC 0.02%) but has not been reported in the literature in individuals with a SYNE1-related disease. This sequence change replaces glutamic acid with glycine at codon 1899 of the SYNE1 protein (p.Glu1899Gly). The glutamic acid residue is highly conserved and there is a moderate physicochemical difference between glutamic acid and glycine.